The following is an entry in ClinVar:

ClinVar aggregate classification (germline): Uncertain significance. Review status: criteria provided, multiple submitters, no conflicts (2 of 4 stars). 2 submissions from 2 submitters: Uncertain significance (2). Last evaluated 2025-10-15.

Allele frequency attached by ClinVar (database versions not stated): gnomAD exomes below 0.00001; ExAC 0.00001; gnomAD 0.00001; TOPMed 0.00001.
gnomAD v4.1: 8 of 1,614,144 alleles (0.0005%); highest among the groups gnomAD compares: Middle Eastern, 0.016%; no homozygotes.

Submissions (2):

Labcorp Genetics (formerly Invitae), Labcorp
Classification: Uncertain significance. Last evaluated: 2025-10-15. Review status: criteria provided, single submitter. Criteria: Invitae Variant Classification Sherloc (09022015). Collection method: clinical testing. Allele origin: germline.
Comment: This sequence change replaces glycine, which is neutral and non-polar, with arginine, which is basic and polar, at codon 66 of the TWNK protein (p.Gly66Arg). This variant is present in population databases (rs778728809, gnomAD 0.002%). This variant has not been reported in the literature in individuals affected with TWNK-related conditions. ClinVar contains an entry for this variant (Variation ID: 2640760). Invitae Evidence Modeling of protein sequence and biophysical properties (such as structural, functional, and spatial information, amino acid conservation, physicochemical variation, residue mobility, and thermodynamic stability) indicates that this missense variant is not expected to disrupt TWNK protein function with a negative predictive value of 95%. In summary, the available evidence is currently insufficient to determine the role of this variant in disease. Therefore, it has been classified as a Variant of Uncertain Significance.

CeGaT Center for Human Genetics Tuebingen
Classification: Uncertain significance. Last evaluated: 2022-08-01. Review status: criteria provided, single submitter. Criteria: CeGaT Center For Human Genetics Tuebingen Variant Classification Criteria Version 2. Collection method: clinical testing. Allele origin: germline. Affected: yes. Observed: 1 variant allele.
Comment: TWNK: PP3

NM_021830.5(TWNK):c.196G>A (p.Gly66Arg)

Gene: TWNK (twinkle mtDNA helicase; plus strand). Cytogenetic location: 10q24.31.
Variant type: single nucleotide variant.
Coding change: c.196G>A on transcript NM_021830.5 (MANE Select); coding-DNA position 196, G replaced by A.
Protein change: p.Gly66Arg; replaces glycine 66 with arginine.
Molecular consequence: missense variant. On other transcripts: non-coding transcript variant (4), intron variant (3).
Genome position (GRCh38, 1-based): chr10:100,988,406, G>A. VCF-style: chr10-100988406-G-A. GRCh37 (hg19) VCF-style: chr10-102748163-G-A.
Other names: c.196G>A, p.Gly66Arg (NM_001163812.2); c.-120+793G>A (NM_001163814.2, NM_001163813.2); c.-58+793G>A (NM_001368275.1); short protein forms G66R.
Identifiers: ClinVar variation 2640760 (VCV002640760.25), dbSNP rs778728809, ClinGen allele CA5653036.